The following is an entry in ClinVar:

ClinVar aggregate classification (germline): Pathogenic (1 of 4 stars; one submission).

Conditions:
Alport syndrome. Also called: Hemorrhagic familial nephritis; Hemorrhagic hereditary nephritis; Congenital hereditary hematuria. Identifiers: Orphanet 63, MedGen C1567741, MONDO:0018965.

Submission:

Myriad Genetics, Inc.
Classification: Pathogenic for Alport syndrome. Last evaluated: 2023-08-11. Review status: criteria provided, single submitter. Criteria: Myriad Autosomal Dominant, Autosomal Recessive and X-Linked Classification Criteria (2023). Collection method: clinical testing. Allele origin: unknown.
Comment: NM_000091.4(COL4A3):c.1667_1668insT(L558Afs*26) is expected to be pathogenic in the context of Alport syndrome, COL4A3-related. This variant is predicted to lead to an abnormal or absent protein product due to the creation of a premature termination codon in COL4A3, a gene where loss-of-function variants are known to be pathogenic. Please note: this variant was assessed in the context of healthy population screening.

NM_000091.5(COL4A3):c.1667_1668insT (p.Leu558fs)

Genes: COL4A3 (collagen type IV alpha 3 chain; plus strand), MFF-DT (MFF divergent transcript; minus strand). Cytogenetic location: 2q36.3.
Variant type: Insertion.
Coding change: c.1667_1668insT on transcript NM_000091.5 (MANE Select); coding-DNA positions 1667 to 1668, T inserted.
Protein change: p.Leu558fs; shifts the reading frame from leucine 558.
Molecular consequence: frameshift variant.
Genome position: GRCh38 VCF-style: chr2-227270861-C-CT. GRCh37 (hg19) VCF-style: chr2-228135577-C-CT.
Other names: short protein forms L558fs.
Identifiers: ClinVar variation 5011323 (VCV005011323.1).